The following is an entry in ClinVar:

NM_001114753.3(ENG):c.1762G>A (p.Val588Ile)

Gene: ENG (endoglin; minus strand). Cytogenetic location: 9q34.11.
Variant type: single nucleotide variant.
Coding change: c.1762G>A on transcript NM_001114753.3 (MANE Select); coding-DNA position 1762, G replaced by A.
Protein change: p.Val588Ile; replaces valine 588 with isoleucine.
Molecular consequence: missense variant.
Genome position (GRCh38, 1-based): chr9:127,816,033, C>T on the plus strand (G>A on the coding strand, the complement: ENG is on the minus strand). VCF-style: chr9-127816033-C-T. GRCh37 (hg19) VCF-style: chr9-130578312-C-T.
Other names: NM_001114753.3(ENG):c.1762G>A; p.Val588Ile; c.1762G>A, p.Val588Ile (NM_000118.4); c.1216G>A, p.Val406Ile (NM_001278138.2); short protein forms V588I, V406I.
Identifiers: ClinVar variation 237024 (VCV000237024.48), dbSNP rs201768056, ClinGen allele CA5252632.
Genomic context (GRCh38, chr9:127,816,033, plus strand): 5'-CAGTGAGCAGGGCCCCGATGAGGAAGGCACCAAAGGTGATGCCCAGCACGGCGGGCAGGA[C>T]GAGGCCTTTGCTTGTGCAACCTAGAGAGGGCCGACGCCATCAGCACTGCCACTCTGCCCC-3'
Protein context (NP_001108225.1, residues 578-598): DLSGCTSKGL[Val588Ile]LPAVLGITFG

ClinVar aggregate classification (germline): Likely benign. Review status: reviewed by expert panel (3 of 4 stars). 7 submissions from 7 submitters: Likely benign (1). 6 of the submissions do not count toward it. Last evaluated 2024-09-11.

Conditions:
Cardiovascular phenotype. Identifiers: MedGen CN230736.
Hereditary hemorrhagic telangiectasia (HHT). Also called: ORW DISEASE; Osler Weber Rendu syndrome; OSLER-RENDU-WEBER DISEASE; Osler hemorrhagic telangiectasia syndrome. Identifiers: Orphanet 774, MedGen C0039445, MONDO:0019180. Disease mechanism: loss of function.
Telangiectasia, hereditary hemorrhagic, type 1 (HHT1). Also called: Osler Weber Rendu syndrome type 1; ENG-Related Hereditary Hemorrhagic Telangiectasia. Identifiers: Orphanet 774, MedGen C4551861, MONDO:0008535, OMIM 187300. Disease mechanism: loss of function.

Allele frequency attached by ClinVar (database versions not stated): gnomAD 0.00007; TOPMed 0.00014; gnomAD exomes 0.00015 and 0.00022; ExAC 0.00044.
gnomAD v4.1: 231 of 1,610,272 alleles (0.014%); highest among the groups gnomAD compares: Non-Finnish European, 0.016%; no homozygotes.

Submissions (7):

ClinGen Hereditary Hemorrhagic Telangiectasia Variant Curation Expert Panel, ClinGen
Classification: Likely benign for Telangiectasia, hereditary hemorrhagic, type 1. Last evaluated: 2024-09-11. Review status: reviewed by expert panel. Criteria: ClinGen HHT ACMG Specifications ENG V1.1.0. Collection method: curation. Allele origin: germline. Inheritance: Autosomal dominant inheritance.
Comment: The NM_001114753.3: c.1762G>A variant in ENG is a missense variant predicted to cause substitution of valine by isoleucine at amino acid 588 (p.Val588Ile). The highest population minor allele frequency in gnomAD v2.1.1 is 0.0003436 (43/125140 alleles) in the non-Finnish European population. The computational predictor REVEL gives a score of 0.043, which is below the threshold of ≤0.1, and the splice site predictor SpliceAI indicated that the variant has no impact on splicing, evidence that does not predict a damaging effect on ENG function (BP4). This variant has been observed in a patient with an alternate molecular basis for disease (pathogenic variant identified in ACVRL1) (BP5; internal lab contributors). In summary, this variant meets the criteria to be classified as likely benign for autosomal dominant hereditary hemorrhagic telangiectasia based on the ACMG/AMP criteria applied, as specified by the ClinGen Hereditary Hemorrhagic Telangiectasia Variant Curation Expert Panel: BP4, BP5 (specifications version 1.1.0; 09/11/2024).

Labcorp Genetics (formerly Invitae), Labcorp
Classification: Likely benign for Hereditary hemorrhagic telangiectasia. Last evaluated: 2026-01-12. Review status: criteria provided, single submitter. Criteria: Invitae Variant Classification Sherloc (09022015). Collection method: clinical testing. Allele origin: germline. Not counted in ClinVar's aggregate classification.

Blueprint Genetics
Classification: Likely benign. Last evaluated: 2024-08-15. Review status: criteria provided, single submitter. Criteria: ACMG Guidelines, 2015. Collection method: clinical testing. Allele origin: germline. Not counted in ClinVar's aggregate classification.

CeGaT Center for Human Genetics Tuebingen
Classification: Likely benign. Last evaluated: 2023-02-01. Review status: criteria provided, single submitter. Criteria: CeGaT Center For Human Genetics Tuebingen Variant Classification Criteria Version 2. Collection method: clinical testing. Allele origin: germline. Affected: yes. Observed: 1 variant allele. Not counted in ClinVar's aggregate classification.
Comment: ENG: BP4

Illumina Laboratory Services, Illumina
Classification: Likely benign for Telangiectasia, hereditary hemorrhagic, type 1. Last evaluated: 2018-01-12. Review status: criteria provided, single submitter. Criteria: ICSL Variant Classification Criteria 13 December 2019. Collection method: clinical testing. Allele origin: germline. Not counted in ClinVar's aggregate classification.
Comment: This variant was observed in the ICSL laboratory as part of a predisposition screen in an ostensibly healthy population. It had not been previously curated by ICSL or reported in the Human Gene Mutation Database (HGMD: prior to June 1st, 2018), and was therefore a candidate for classification through an automated scoring system. Utilizing variant allele frequency, disease prevalence and penetrance estimates, and inheritance mode, an automated score was calculated to assess if this variant is too frequent to cause the disease. Based on the score and internal cut-off values, a variant classified as likely benign is not then subjected to further curation. The score for this variant resulted in a classification of likely benign for this disease.

GeneDx
Classification: Uncertain significance. Last evaluated: 2016-11-15. Review status: criteria provided, single submitter. Criteria: GeneDx Variant Classification (06012015). Collection method: clinical testing. Allele origin: germline. Affected: yes. Not counted in ClinVar's aggregate classification.
Comment: The V588I variant of uncertain significance in the ENG gene has not been published as a pathogenicor benign variant to our knowledge. However, it is classified in ClinVar as a variant of uncertainsignificance in association with HHT by another clinical laboratory (ClinVar SCV000283532.1;Landrum et al., 2016). This variant was not observed in approximately 6,500 individuals of Europeanand African American ancestry in the NHLBI Exome Sequencing Project, indicating it is not acommon benign variant in these populations. The V588I variant is a conservative amino acidsubstitution, which is not likely to impact secondary protein structure as these residues share similarproperties. This substitution also occurs at a position that is not conserved. Consequently, themajority of in silico tools predict V588I likely does not alter the protein structure/function.Therefore, based on the currently available information, it is unclear whether this variant ispathogenic or rare benign.

Ambry Genetics
Classification: Benign for Cardiovascular phenotype. Last evaluated: 2016-10-27. Review status: criteria provided, single submitter. Criteria: Ambry Variant Classification Scheme 2023. Collection method: clinical testing. Allele origin: germline. Not counted in ClinVar's aggregate classification.